The following is an entry in ClinVar:

NM_177973.2(SULT2B1):c.214+10G>A

Gene: SULT2B1 (sulfotransferase family 2B member 1; plus strand). Cytogenetic location: 19q13.33.
Variant type: single nucleotide variant.
Coding change: c.214+10G>A on transcript NM_177973.2 (MANE Select); 10 bases into the intron after coding-DNA position 214, G replaced by A.
Molecular consequence: intron variant.
Genome position (GRCh38, 1-based): chr19:48,576,093, G>A. VCF-style: chr19-48576093-G-A. GRCh37 (hg19) VCF-style: chr19-49079350-G-A.
Other names: c.169+10G>A (NM_004605.2).
Identifiers: ClinVar variation 3035680 (VCV003035680.2), dbSNP rs371528066, ClinGen allele CA9553005.

ClinVar aggregate classification (germline): Likely benign (0 of 4 stars; one submission).

Conditions:
SULT2B1-related disorder. Also called: SULT2B1-related condition.

Allele frequency attached by ClinVar (database versions not stated): gnomAD exomes 0.00005; TOPMed 0.00006; gnomAD 0.00009; ExAC 0.00014.
gnomAD v4.1: 85 of 1,602,138 alleles (0.0053%); highest among the groups gnomAD compares: East Asian, 0.12%; 1 homozygote.

Submission:

PreventionGenetics, part of Exact Sciences
Classification: Likely benign for SULT2B1-related condition. Last evaluated: 2019-08-14. Review status: no assertion criteria provided. Collection method: clinical testing. Allele origin: germline.
Comment: This variant is classified as likely benign based on ACMG/AMP sequence variant interpretation guidelines (Richards et al. 2015 PMID: 25741868, with internal and published modifications).